The following is an entry in ClinVar:

NM_016580.4(PCDH12):c.2912A>G (p.Gln971Arg)

Genes: PCDH12 (protocadherin 12; minus strand), RNF14 (ring finger protein 14; plus strand). Cytogenetic location: 5q31.3.
Variant type: single nucleotide variant.
Coding change: c.2912A>G on transcript NM_016580.4 (MANE Select); coding-DNA position 2912, A replaced by G.
Protein change: p.Gln971Arg; replaces glutamine 971 with arginine.
Molecular consequence: missense variant.
Genome position (GRCh38, 1-based): chr5:141,951,559, T>C on the plus strand (A>G on the coding strand, the complement: PCDH12 is on the minus strand). VCF-style: chr5-141951559-T-C. GRCh37 (hg19) VCF-style: chr5-141331124-T-C.
Other names: short protein forms Q971R.
Identifiers: ClinVar variation 2128033 (VCV002128033.4), dbSNP rs1047420178, ClinGen allele CA128476862.

ClinVar aggregate classification (germline): Uncertain significance (1 of 4 stars; one submission).

Allele frequency attached by ClinVar (database versions not stated): gnomAD 0.00001; TOPMed 0.00002.
gnomAD v4.1: 1 of 1,614,072 alleles (0.000062%); highest among the groups gnomAD compares: African/African-American, 0.0013%; no homozygotes.

Submission:

Labcorp Genetics (formerly Invitae), Labcorp
Classification: Uncertain significance. Last evaluated: 2022-04-21. Review status: criteria provided, single submitter. Criteria: Invitae Variant Classification Sherloc (09022015). Collection method: clinical testing. Allele origin: germline.
Comment: Advanced modeling of protein sequence and biophysical properties (such as structural, functional, and spatial information, amino acid conservation, physicochemical variation, residue mobility, and thermodynamic stability) performed at Invitae indicates that this missense variant is not expected to disrupt PCDH12 protein function. In summary, the available evidence is currently insufficient to determine the role of this variant in disease. Therefore, it has been classified as a Variant of Uncertain Significance. This variant has not been reported in the literature in individuals affected with PCDH12-related conditions. This variant is not present in population databases (gnomAD no frequency). This sequence change replaces glutamine, which is neutral and polar, with arginine, which is basic and polar, at codon 971 of the PCDH12 protein (p.Gln971Arg).